The following is an entry in ClinVar:

ClinVar aggregate classification (germline): Uncertain significance (1 of 4 stars; one submission).

Allele frequency attached by ClinVar (database versions not stated): gnomAD 0.00001.

Submission:

Ambry Genetics
Classification: Uncertain significance. Last evaluated: 2023-08-24. Review status: criteria provided, single submitter. Criteria: Ambry Variant Classification Scheme 2023. Collection method: clinical testing. Allele origin: germline.
Comment: The p.R47W variant (also known as c.139C>T), located in coding exon 1 of the PALLD gene, results from a C to T substitution at nucleotide position 139. The arginine at codon 47 is replaced by tryptophan, an amino acid with dissimilar properties. This amino acid position is conserved. In addition, the in silico prediction for this alteration is inconclusive. Since supporting evidence is limited at this time, the clinical significance of this alteration remains unclear.

NM_001166108.2(PALLD):c.139C>T (p.Arg47Trp)

Gene: PALLD (palladin, cytoskeletal associated protein; plus strand). Cytogenetic location: 4q32.3.
Variant type: single nucleotide variant.
Coding change: c.139C>T on transcript NM_001166108.2 (MANE Select); coding-DNA position 139, C replaced by T.
Protein change: p.Arg47Trp; replaces arginine 47 with tryptophan.
Molecular consequence: missense variant.
Genome position (GRCh38, 1-based): chr4:168,511,643, C>T. VCF-style: chr4-168511643-C-T. GRCh37 (hg19) VCF-style: chr4-169432794-C-T.
Other names: c.139C>T, p.Arg47Trp (NM_016081.4); short protein forms R47W.
Identifiers: ClinVar variation 1771729 (VCV001771729.4), dbSNP rs1409360651, ClinGen allele CA358724735.